The following is an entry in ClinVar:

NM_006206.6(PDGFRA):c.799C>T (p.Pro267Ser)

Gene: PDGFRA (platelet derived growth factor receptor alpha; plus strand). Cytogenetic location: 4q12.
Variant type: single nucleotide variant.
Coding change: c.799C>T on transcript NM_006206.6 (MANE Select); coding-DNA position 799, C replaced by T.
Protein change: p.Pro267Ser; replaces proline 267 with serine.
Molecular consequence: missense variant.
Genome position (GRCh38, 1-based): chr4:54,267,328, C>T. VCF-style: chr4-54267328-C-T. GRCh37 (hg19) VCF-style: chr4-55133495-C-T.
Other names: c.799C>T, p.Pro267Ser (NM_001347827.2, NM_001347829.2); c.874C>T, p.Pro292Ser (NM_001347828.2); c.838C>T, p.Pro280Ser (NM_001347830.2); short protein forms P267S, P292S, P280S.
Identifiers: ClinVar variation 459123 (VCV000459123.12), dbSNP rs757378016, ClinGen allele CA2922393.
Genomic context (GRCh38, chr4:54,267,328, plus strand): 5'-TTTCTTCCCCTTTTGCTGTAGAAAGGCAAAGGCATCACAATGCTGGAAGAAATCAAAGTC[C>T]CATCCATCAAATTGGTGTACACTTTGACGGTCCCCGAGGCCACGGTGAAAGACAGTGGAG-3'
Protein context (NP_006197.1, residues 257-277): GITMLEEIKV[Pro267Ser]SIKLVYTLTV

ClinVar aggregate classification (germline): Uncertain significance. Review status: criteria provided, multiple submitters, no conflicts (2 of 4 stars). 4 submissions from 4 submitters: Uncertain significance (4). Last evaluated 2026-01-26.

Conditions:
Polyps, multiple and recurrent inflammatory fibroid, gastrointestinal. Identifiers: MedGen C5193005, MONDO:0008285, OMIM 175510.
Gastrointestinal stromal tumor. Also called: Gastrointestinal stroma tumor; Gastrointestinal stromal tumor, somatic. Identifiers: Orphanet 44890, MedGen C0238198, MeSH D046152, MONDO:0011719, OMIM 606764, HP:0100723.
Hereditary cancer-predisposing syndrome. Also called: Tumor predisposition; Hereditary neoplastic syndrome; Neoplastic Syndromes, Hereditary; Hereditary Cancer Syndrome. Identifiers: Orphanet 140162, MedGen C0027672, MeSH D009386, MONDO:0015356.

Allele frequency attached by ClinVar (database versions not stated): TOPMed below 0.00001; gnomAD 0.00001; gnomAD exomes 0.00001; ExAC 0.00002.
gnomAD v4.1: 55 of 1,614,040 alleles (0.0034%); highest among the groups gnomAD compares: Non-Finnish European, 0.0045%; 1 homozygote.

Submissions (4):

Labcorp Genetics (formerly Invitae), Labcorp
Classification: Uncertain significance for Gastrointestinal stromal tumor. Last evaluated: 2026-01-26. Review status: criteria provided, single submitter. Criteria: Invitae Variant Classification Sherloc (09022015). Collection method: clinical testing. Allele origin: germline.
Comment: This sequence change replaces proline, which is neutral and non-polar, with serine, which is neutral and polar, at codon 267 of the PDGFRA protein (p.Pro267Ser). This variant is present in population databases (rs757378016, gnomAD 0.002%). This variant has not been reported in the literature in individuals affected with PDGFRA-related conditions. ClinVar contains an entry for this variant (Variation ID: 459123). Invitae Evidence Modeling of protein sequence and biophysical properties (such as structural, functional, and spatial information, amino acid conservation, physicochemical variation, residue mobility, and thermodynamic stability) indicates that this missense variant is not expected to disrupt PDGFRA protein function with a negative predictive value of 80%. In summary, the available evidence is currently insufficient to determine the role of this variant in disease. Therefore, it has been classified as a Variant of Uncertain Significance.

Ambry Genetics
Classification: Uncertain significance for Hereditary cancer-predisposing syndrome. Last evaluated: 2024-12-24. Review status: criteria provided, single submitter. Criteria: Ambry Variant Classification Scheme 2023. Collection method: clinical testing. Allele origin: germline.
Comment: The p.P267S variant (also known as c.799C>T), located in coding exon 5 of the PDGFRA gene, results from a C to T substitution at nucleotide position 799. The proline at codon 267 is replaced by serine, an amino acid with similar properties. This amino acid position is highly conserved in available vertebrate species. In addition, this alteration is predicted to be tolerated by in silico analysis. Based on the available evidence, the clinical significance of this variant remains unclear.

Baylor Genetics
Classification: Uncertain significance for Polyps, multiple and recurrent inflammatory fibroid, gastrointestinal. Last evaluated: 2023-07-14. Review status: criteria provided, single submitter. Criteria: ACMG Guidelines, 2015. Collection method: clinical testing. Allele origin: unknown.

GeneDx
Classification: Uncertain significance. Last evaluated: 2023-03-28. Review status: criteria provided, single submitter. Criteria: GeneDx Variant Classification Process June 2021. Collection method: clinical testing. Allele origin: germline. Affected: yes.
Comment: Not observed at significant frequency in large population cohorts (gnomAD); In silico analysis supports that this missense variant does not alter protein structure/function; Has not been previously published as pathogenic or benign to our knowledge